The following is an entry in ClinVar:

NM_020822.3(KCNT1):c.1282C>T (p.Arg428Trp)

Gene: KCNT1 (potassium sodium-activated channel subfamily T member 1; plus strand). Cytogenetic location: 9q34.3.
Variant type: single nucleotide variant.
Coding change: c.1282C>T on transcript NM_020822.3 (MANE Select); coding-DNA position 1282, C replaced by T.
Protein change: p.Arg428Trp; replaces arginine 428 with tryptophan.
Molecular consequence: missense variant.
Genome position (GRCh38, 1-based): chr9:135,765,705, C>T. VCF-style: chr9-135765705-C-T. GRCh37 (hg19) VCF-style: chr9-138657551-C-T.
Other names: c.1147C>T, p.Arg383Trp (NM_001272003.2); short protein forms R428W, R383W.
Identifiers: ClinVar variation 1447148 (VCV001447148.8), dbSNP rs373755663, ClinGen allele CA5326839.

ClinVar aggregate classification (germline): Uncertain significance. Review status: criteria provided, multiple submitters, no conflicts (2 of 4 stars). 2 submissions from 2 submitters: Uncertain significance (2). Last evaluated 2024-02-24.

Conditions:
Developmental and epileptic encephalopathy, 14 (DEE14). Also called: Early infantile epileptic encephalopathy 14. Identifiers: Orphanet 293181, MedGen C3554195, MONDO:0013989, OMIM 614959.
Autosomal dominant nocturnal frontal lobe epilepsy 5. Also called: KCNT1-Related Epilepsy; CILIARY DYSKINESIA, PRIMARY, 28, WITH SITUS INVERSUS; Epilepsy, nocturnal frontal lobe, 5; CILIARY DYSKINESIA, PRIMARY, 28, WITHOUT SITUS INVERSUS. Identifiers: Orphanet 98784, MedGen C3554306, MONDO:0014002, OMIM 615005.

Allele frequency attached by ClinVar (database versions not stated): ExAC 0.00001; ESP Exome Variant Server 0.00008.
gnomAD v4.1: 11 of 1,597,242 alleles (0.00069%); highest among the groups gnomAD compares: African/African-American, 0.0013%; no homozygotes.

Submissions (2):

Labcorp Genetics (formerly Invitae), Labcorp
Classification: Uncertain significance for Autosomal dominant nocturnal frontal lobe epilepsy 5; Developmental and epileptic encephalopathy, 14. Last evaluated: 2024-02-24. Review status: criteria provided, single submitter. Criteria: Invitae Variant Classification Sherloc (09022015). Collection method: clinical testing. Allele origin: germline.
Comment: This sequence change replaces arginine, which is basic and polar, with tryptophan, which is neutral and slightly polar, at codon 428 of the KCNT1 protein (p.Arg428Trp). The frequency data for this variant in the population databases is considered unreliable, as metrics indicate poor data quality at this position in the gnomAD database. This variant has not been reported in the literature in individuals affected with KCNT1-related conditions. ClinVar contains an entry for this variant (Variation ID: 1447148). Advanced modeling of protein sequence and biophysical properties (such as structural, functional, and spatial information, amino acid conservation, physicochemical variation, residue mobility, and thermodynamic stability) performed at Invitae indicates that this missense variant is expected to disrupt KCNT1 protein function with a positive predictive value of 80%. This variant disrupts the p.Arg428 amino acid residue in KCNT1. Other variant(s) that disrupt this residue have been determined to be pathogenic (PMID: 23086397, 25042079, 26140313, 27779742). This suggests that this residue is clinically significant, and that variants that disrupt this residue are likely to be disease-causing. In summary, the available evidence is currently insufficient to determine the role of this variant in disease. Therefore, it has been classified as a Variant of Uncertain Significance.

Revvity Omics, Revvity
Classification: Uncertain significance. Last evaluated: 2021-06-16. Review status: criteria provided, single submitter. Criteria: ACMG Guidelines, 2015. Collection method: clinical testing. Allele origin: germline.

Literature cited by the submitters: PubMed 23086397 (cited by Labcorp Genetics (formerly Invitae), Labcorp); PubMed 25042079 (cited by Labcorp Genetics (formerly Invitae), Labcorp); PubMed 26140313 (cited by Labcorp Genetics (formerly Invitae), Labcorp); PubMed 27779742 (cited by Labcorp Genetics (formerly Invitae), Labcorp).